The following is an entry in ClinVar:

ClinVar aggregate classification (germline): Uncertain significance (1 of 4 stars; one submission).

gnomAD v4.1: 1 of 1,614,068 alleles (0.000062%); highest among the groups gnomAD compares: Non-Finnish European, 0.000085%; no homozygotes.

Submission:

Ambry Genetics
Classification: Uncertain significance. Last evaluated: 2025-09-11. Review status: criteria provided, single submitter. Criteria: Ambry Variant Classification Scheme 2023. Collection method: clinical testing. Allele origin: germline.
Comment: The p.S737T variant (also known as c.2209T>A), located in coding exon 1 of the MLH3 gene, results from a T to A substitution at nucleotide position 2209. The serine at codon 737 is replaced by threonine, an amino acid with similar properties. This amino acid position is conserved. In addition, this alteration is predicted to be tolerated by in silico analysis. Based on the available evidence, the clinical significance of this variant remains unclear.

NM_001040108.2(MLH3):c.2209T>A (p.Ser737Thr)

Gene: MLH3 (mutL homolog 3; minus strand). Cytogenetic location: 14q24.3.
Variant type: single nucleotide variant.
Coding change: c.2209T>A on transcript NM_001040108.2 (MANE Select); coding-DNA position 2209, T replaced by A.
Protein change: p.Ser737Thr; replaces serine 737 with threonine.
Molecular consequence: missense variant.
Genome position (GRCh38, 1-based): chr14:75,047,447, A>T on the plus strand (T>A on the coding strand, the complement: MLH3 is on the minus strand). VCF-style: chr14-75047447-A-T. GRCh37 (hg19) VCF-style: chr14-75514150-A-T.
Other names: c.2209T>A, p.Ser737Thr (NM_014381.3); short protein forms S737T.
Identifiers: ClinVar variation 4108690 (VCV004108690.1).